The following is an entry in ClinVar:

NM_000059.4(BRCA2):c.9111A>G (p.Gln3037=)

Gene: BRCA2 (BRCA2 DNA repair associated; plus strand). Cytogenetic location: 13q13.1.
Variant type: single nucleotide variant.
Coding change: c.9111A>G on transcript NM_000059.4 (MANE Select); coding-DNA position 9111, A replaced by G.
Protein change: p.Gln3037=; no amino-acid change (glutamine 3037 retained).
Molecular consequence: synonymous variant. On other transcripts: non-coding transcript variant (1).
Genome position (GRCh38, 1-based): chr13:32,379,907, A>G. VCF-style: chr13-32379907-A-G. GRCh37 (hg19) VCF-style: chr13-32954044-A-G.
Other names: c.9015A>G, p.Gln3005= (NM_001406719.1); c.9060A>G, p.Gln3020= (NM_001406720.1); c.4179A>G, p.Gln1393= (NM_001406721.1); c.2694A>G, p.Gln898= (NM_001406722.1).
Identifiers: ClinVar variation 1765849 (VCV001765849.31), dbSNP rs200814465, ClinGen allele CA483439893.
Genomic context (GRCh38, chr13:32,379,907, plus strand): 5'-AAGTAAATCTGAAAGAGCTAACATACAGTTAGCAGCGACAAAAAAAACTCAGTATCAACA[A>G]CTACCGGTACAAACCTTTCATTGTAATTTTTCAGTTTTGATAAGTGCTTGTTAGTTTATG-3'
Protein context (NP_000050.3, residues 3027-3047): LAATKKTQYQ[Gln3037=]LPVSDEILFQ

ClinVar aggregate classification (germline): Likely benign. Review status: criteria provided, multiple submitters, no conflicts (2 of 4 stars). 3 submissions from 3 submitters: Likely benign (3). Last evaluated 2024-04-29.

Conditions:
Hereditary cancer-predisposing syndrome. Also called: Hereditary neoplastic syndrome; Neoplastic Syndromes, Hereditary; Tumor predisposition; Hereditary Cancer Syndrome. Identifiers: Orphanet 140162, MedGen C0027672, MeSH D009386, MONDO:0015356.
Hereditary breast ovarian cancer syndrome. Also called: Hereditary breast and ovarian cancer syndrome (HBOC); Hereditary breast and ovarian cancer; Hereditary breast and/or ovarian cancer syndrome; BRCA1- and BRCA2-Associated Hereditary Breast and Ovarian Cancer; Hereditary breast and ovarian cancer syndrome; Breast and ovarian cancer. Identifiers: Orphanet 145, MedGen C0677776, MeSH D061325, MONDO:0003582. Disease mechanism: loss of function.

Submissions (3):

Labcorp Genetics (formerly Invitae), Labcorp
Classification: Likely benign for Hereditary breast ovarian cancer syndrome. Last evaluated: 2024-04-29. Review status: criteria provided, single submitter. Criteria: Invitae Variant Classification Sherloc (09022015). Collection method: clinical testing. Allele origin: germline.

CeGaT Center for Human Genetics Tuebingen
Classification: Likely benign. Last evaluated: 2022-12-01. Review status: criteria provided, single submitter. Criteria: CeGaT Center For Human Genetics Tuebingen Variant Classification Criteria Version 2. Collection method: clinical testing. Allele origin: germline. Affected: yes. Observed: 1 variant allele.
Comment: BRCA2: PM2:Supporting, BP4, BP7

Ambry Genetics
Classification: Likely benign for Hereditary cancer-predisposing syndrome. Last evaluated: 2020-01-31. Review status: criteria provided, single submitter. Criteria: Ambry Variant Classification Scheme 2023. Collection method: clinical testing. Allele origin: germline.